The following is an entry in ClinVar:

NM_001042492.3(NF1):c.3140A>G (p.Asp1047Gly)

Gene: NF1 (neurofibromin 1; plus strand). Cytogenetic location: 17q11.2.
Variant type: single nucleotide variant.
Coding change: c.3140A>G on transcript NM_001042492.3 (MANE Select); coding-DNA position 3140, A replaced by G.
Protein change: p.Asp1047Gly; replaces aspartic acid 1047 with glycine.
Molecular consequence: missense variant.
Genome position (GRCh38, 1-based): chr17:31,230,868, A>G. VCF-style: chr17-31230868-A-G. GRCh37 (hg19) VCF-style: chr17-29557886-A-G.
Other names: c.3140A>G, p.Asp1047Gly (NM_000267.4); short protein forms D1047G.
Identifiers: ClinVar variation 527527 (VCV000527527.7), dbSNP rs1555614631, ClinGen allele CA398987973.

ClinVar aggregate classification (germline): Uncertain significance. Review status: criteria provided, multiple submitters, no conflicts (2 of 4 stars). 3 submissions from 3 submitters: Uncertain significance (3). Last evaluated 2025-07-03.

Conditions:
Neurofibromatosis, type 1 (NF1). Also called: VON RECKLINGHAUSEN DISEASE; NEUROFIBROMATOSIS, TYPE I, SOMATIC; Peripheral type neurofibromatosis; Neurofibromatosis, type I. Identifiers: Orphanet 636, MedGen C0027831, MONDO:0018975, OMIM 162200. Disease mechanism: loss of function.
Juvenile myelomonocytic leukemia (JMML). Also called: LEUKEMIA, JUVENILE MYELOMONOCYTIC, SOMATIC. Identifiers: Orphanet 86834, MedGen C0349639, MONDO:0011908, OMIM 607785, HP:0012209.
Café-au-lait macules with pulmonary stenosis (WTSN). Also called: PULMONIC STENOSIS WITH CAFE-AU-LAIT SPOTS. Identifiers: MedGen C0553586, MONDO:0008672, OMIM 193520.
Neurofibromatosis-Noonan syndrome (NFNS). Also called: NEUROFIBROMATOSIS WITH NOONAN PHENOTYPE. Identifiers: Orphanet 638, MedGen C2931482, MONDO:0011035, OMIM 601321. Disease mechanism: loss of function.
Neurofibromatosis, familial spinal (FSNF). Identifiers: Orphanet 636, MedGen C1834235, MONDO:0008078, OMIM 162210. Disease mechanism: loss of function.

Submissions (3):

Labcorp Genetics (formerly Invitae), Labcorp
Classification: Uncertain significance for Neurofibromatosis, type 1. Last evaluated: 2025-07-03. Review status: criteria provided, single submitter. Criteria: Invitae Variant Classification Sherloc (09022015). Collection method: clinical testing. Allele origin: germline.
Comment: This sequence change replaces aspartic acid, which is acidic and polar, with glycine, which is neutral and non-polar, at codon 1047 of the NF1 protein (p.Asp1047Gly). This variant is not present in population databases (gnomAD no frequency). This variant has not been reported in the literature in individuals affected with NF1-related conditions. ClinVar contains an entry for this variant (Variation ID: 527527). Invitae Evidence Modeling of protein sequence and biophysical properties (such as structural, functional, and spatial information, amino acid conservation, physicochemical variation, residue mobility, and thermodynamic stability) indicates that this missense variant is expected to disrupt NF1 protein function with a positive predictive value of 95%. In summary, the available evidence is currently insufficient to determine the role of this variant in disease. Therefore, it has been classified as a Variant of Uncertain Significance.

Fulgent Genetics
Classification: Uncertain significance for Neurofibromatosis, type 1; Neurofibromatosis, familial spinal; Café-au-lait macules with pulmonary stenosis; Neurofibromatosis-Noonan syndrome; Juvenile myelomonocytic leukemia. Last evaluated: 2024-04-12. Review status: criteria provided, single submitter. Criteria: ACMG Guidelines, 2015. Collection method: clinical testing. Allele origin: germline.

Baylor Genetics
Classification: Uncertain significance for Juvenile myelomonocytic leukemia. Last evaluated: 2023-05-14. Review status: criteria provided, single submitter. Criteria: ACMG Guidelines, 2015. Collection method: clinical testing. Allele origin: unknown.